The following is an entry in ClinVar:

NM_001164665.2(KIAA1549):c.3198G>T (p.Gln1066His)

Gene: KIAA1549 (KIAA1549; minus strand). Cytogenetic location: 7q34.
Variant type: single nucleotide variant.
Coding change: c.3198G>T on transcript NM_001164665.2 (MANE Select); coding-DNA position 3198, G replaced by T.
Protein change: p.Gln1066His; replaces glutamine 1066 with histidine.
Molecular consequence: missense variant.
Genome position (GRCh38, 1-based): chr7:138,909,069, C>A on the plus strand (G>T on the coding strand, the complement: KIAA1549 is on the minus strand). VCF-style: chr7-138909069-C-A. GRCh37 (hg19) VCF-style: chr7-138593815-C-A.
Other names: c.3198G>T, p.Gln1066His (NM_020910.3); short protein forms Q1066H.
Identifiers: ClinVar variation 1439328 (VCV001439328.6), dbSNP rs371131658, ClinGen allele CA4506290.

ClinVar aggregate classification (germline): Uncertain significance (1 of 4 stars; one submission).

Allele frequency attached by ClinVar (database versions not stated): gnomAD exomes 0.00003 and 0.00004; ExAC 0.00006; ESP Exome Variant Server 0.00016.
gnomAD v4.1: 64 of 1,613,794 alleles (0.004%); highest among the groups gnomAD compares: South Asian, 0.016%; no homozygotes.

Submission:

Labcorp Genetics (formerly Invitae), Labcorp
Classification: Uncertain significance. Last evaluated: 2022-06-14. Review status: criteria provided, single submitter. Criteria: Invitae Variant Classification Sherloc (09022015). Collection method: clinical testing. Allele origin: germline.
Comment: In summary, the available evidence is currently insufficient to determine the role of this variant in disease. Therefore, it has been classified as a Variant of Uncertain Significance. Algorithms developed to predict the effect of missense changes on protein structure and function are either unavailable or do not agree on the potential impact of this missense change (SIFT: "Deleterious"; PolyPhen-2: "Probably Damaging"; Align-GVGD: "Class C0"). This variant has not been reported in the literature in individuals affected with KIAA1549-related conditions. This variant is present in population databases (rs371131658, gnomAD 0.01%). This sequence change replaces glutamine, which is neutral and polar, with histidine, which is basic and polar, at codon 1066 of the KIAA1549 protein (p.Gln1066His).